The following is an entry in ClinVar:

ClinVar aggregate classification (germline): Conflicting classifications of pathogenicity. Review status: criteria provided, conflicting classifications (1 of 4 stars). 5 submissions from 5 submitters: Uncertain significance (3); Likely benign (2). Last evaluated 2026-04-23.

Conditions:
Ehlers-Danlos syndrome, dermatosparaxis type. Also called: EDS VIIC; Dermatosparaxis; Ehlers-Danlos syndrome, type VII, autosomal recessive. Identifiers: Orphanet 1901, MedGen C2700425, MONDO:0009161, OMIM 225410.

Allele frequency attached by ClinVar (database versions not stated): gnomAD exomes 0.00003 and 0.00007; ExAC 0.00008; gnomAD 0.00029 and 0.00033; 1000 Genomes Project 0.00100; 1000 Genomes Project 30x 0.00109.
gnomAD v4.1: 95 of 1,563,854 alleles (0.0061%); highest among the groups gnomAD compares: Admixed American, 0.097%; 2 homozygotes.

Submissions (7):

Women's Health and Genetics/Laboratory Corporation of America, LabCorp
Classification: Uncertain significance. Last evaluated: 2026-04-23. Review status: criteria provided, single submitter. Criteria: LabCorp Variant Classification Summary - May 2015. Collection method: clinical testing. Allele origin: germline.
Comment: Variant summary: ADAMTS2 c.2933G>A (p.Arg978His) results in a non-conservative amino acid change in the encoded protein sequence. Algorithms developed to predict the effect of missense changes on protein structure and function are either unavailable or do not agree on the potential impact of this missense change. The variant allele was found at a frequency of 6.1e-05 in 1557278 control chromosomes including 2 homozygotes, predominantly at a frequency of 0.00097 within the Latino subpopulation in the gnomAD database. This frequency is not significantly higher than estimated for disease-causing variants in ADAMTS2, allowing no conclusion about variant significance. To our knowledge, no occurrence of c.2933G>A in individuals affected with ADAMTS2-related conditions and no experimental evidence demonstrating its impact on protein function have been reported. ClinVar contains an entry for this variant (Variation ID: 965817). Based on the evidence outlined above, the variant was classified as VUS-possibly benign.

Mayo Clinic Laboratories, Mayo Clinic
Classification: Likely benign. Last evaluated: 2025-04-09. Review status: criteria provided, single submitter. Criteria: ACMG Guidelines, 2015. Collection method: clinical testing. Allele origin: germline. Observed: 2 variant alleles.
Comment: BP1, BP4_moderate

Laboratory of Genetics, Children's Clinical University Hospital Latvia
Classification: Likely benign. Last evaluated: 2025-02-16. Review status: criteria provided, single submitter. Criteria: ACMG Guidelines, 2015. Collection method: clinical testing. Allele origin: germline. Affected: yes.

Fulgent Genetics
Classification: Uncertain significance for Ehlers-Danlos syndrome, dermatosparaxis type. Last evaluated: 2023-12-26. Review status: criteria provided, single submitter. Criteria: ACMG Guidelines, 2015. Collection method: clinical testing. Allele origin: germline.

Labcorp Genetics (formerly Invitae), Labcorp
Classification: Uncertain significance for Ehlers-Danlos syndrome, dermatosparaxis type. Last evaluated: 2022-07-26. Review status: criteria provided, single submitter. Criteria: Invitae Variant Classification Sherloc (09022015). Collection method: clinical testing. Allele origin: germline.
Comment: This sequence change replaces arginine, which is basic and polar, with histidine, which is basic and polar, at codon 978 of the ADAMTS2 protein (p.Arg978His). The frequency data for this variant in the population databases is considered unreliable, as metrics indicate poor data quality at this position in the gnomAD database. This variant has not been reported in the literature in individuals affected with ADAMTS2-related conditions. ClinVar contains an entry for this variant (Variation ID: 965817). Algorithms developed to predict the effect of missense changes on protein structure and function are either unavailable or do not agree on the potential impact of this missense change (SIFT: "Deleterious"; PolyPhen-2: "Benign"; Align-GVGD: "Class C0"). In summary, the available evidence is currently insufficient to determine the role of this variant in disease. Therefore, it has been classified as a Variant of Uncertain Significance.

Dr. Peter K. Rogan Lab, Western University
No classification provided (evidence only). Condition: Clear cell carcinoma of kidney. Review status: no classification provided. Collection method: in vitro. Allele origin: not applicable. Functional consequence: retained intron. Not counted in ClinVar's aggregate classification.

Dr. Peter K. Rogan Lab, Western University
No classification provided (evidence only). Condition: Sarcoma. Review status: no classification provided. Collection method: in vitro. Allele origin: not applicable. Functional consequence: retained intron. Not counted in ClinVar's aggregate classification.

NM_014244.5(ADAMTS2):c.2933G>A (p.Arg978His)

Gene: ADAMTS2 (ADAM metallopeptidase with thrombospondin type 1 motif 2; minus strand). Cytogenetic location: 5q35.3.
Variant type: single nucleotide variant.
Coding change: c.2933G>A on transcript NM_014244.5 (MANE Select); coding-DNA position 2933, G replaced by A.
Protein change: p.Arg978His; replaces arginine 978 with histidine.
Molecular consequence: missense variant.
Genome position (GRCh38, 1-based): chr5:179,124,998, C>T on the plus strand (G>A on the coding strand, the complement: ADAMTS2 is on the minus strand). VCF-style: chr5-179124998-C-T. GRCh37 (hg19) VCF-style: chr5-178551999-C-T.
Other names: p.Arg978His; short protein forms R978H.
Identifiers: ClinVar variation 965817 (VCV000965817.10), dbSNP rs201998372, ClinGen allele CA3595368.